The following is an entry in ClinVar:

NM_003738.5(PTCH2):c.2542G>A (p.Glu848Lys)

Gene: PTCH2 (patched 2; minus strand). Cytogenetic location: 1p34.1.
Variant type: single nucleotide variant.
Coding change: c.2542G>A on transcript NM_003738.5 (MANE Select); coding-DNA position 2542, G replaced by A.
Protein change: p.Glu848Lys; replaces glutamic acid 848 with lysine.
Molecular consequence: missense variant.
Genome position (GRCh38, 1-based): chr1:44,827,055, C>T on the plus strand (G>A on the coding strand, the complement: PTCH2 is on the minus strand). VCF-style: chr1-44827055-C-T. GRCh37 (hg19) VCF-style: chr1-45292727-C-T.
Other names: c.2542G>A, p.Glu848Lys (NM_001166292.2); short protein forms E848K.
Identifiers: ClinVar variation 2152787 (VCV002152787.4), dbSNP rs2521953637, ClinGen allele CA340094728.
Genomic context (GRCh38, chr1:44,827,055, plus strand): 5'-GGTCACTGCTCACCCACACGGTCAGCCCCATGTAGAAGAGCTCGGGTGGAATCAGTCCCT[C>T]TCTGTCCACCAGCTTCCTTGTGGTCAGCTGCAGAGGCAGAGAGGGCTGAAGGCCTGGGCC-3'
Protein context (NP_003729.3, residues 838-858): QLTTRKLVDR[Glu848Lys]GLIPPELFYM

ClinVar aggregate classification (germline): Uncertain significance (1 of 4 stars; one submission).

Conditions:
Gorlin syndrome. Also called: Nevoid Basal Cell Carcinoma Syndrome; Basal cell nevus syndrome. Identifiers: Orphanet 377, MedGen C0004779, MONDO:0007187.

Allele frequency attached by ClinVar (database versions not stated): gnomAD exomes 0.00001.
gnomAD v4.1: 5 of 1,614,154 alleles (0.00031%); highest among the groups gnomAD compares: Non-Finnish European, 0.00042%; no homozygotes.

Submission:

Labcorp Genetics (formerly Invitae), Labcorp
Classification: Uncertain significance for Gorlin syndrome. Last evaluated: 2022-04-26. Review status: criteria provided, single submitter. Criteria: Invitae Variant Classification Sherloc (09022015). Collection method: clinical testing. Allele origin: germline.
Comment: In summary, the available evidence is currently insufficient to determine the role of this variant in disease. Therefore, it has been classified as a Variant of Uncertain Significance. This sequence change replaces glutamic acid, which is acidic and polar, with lysine, which is basic and polar, at codon 848 of the PTCH2 protein (p.Glu848Lys). This variant is not present in population databases (gnomAD no frequency). This variant has not been reported in the literature in individuals affected with PTCH2-related conditions. Algorithms developed to predict the effect of missense changes on protein structure and function are either unavailable or do not agree on the potential impact of this missense change (SIFT: "Deleterious"; PolyPhen-2: "Benign"; Align-GVGD: "Class C0").